The following is an entry in ClinVar:

ClinVar aggregate classification (germline): Uncertain significance. Review status: criteria provided, multiple submitters, no conflicts (2 of 4 stars). 2 submissions from 2 submitters: Uncertain significance (2). Last evaluated 2025-05-12.

Conditions:
Epileptic encephalopathy. Identifiers: MedGen C0543888, HP:0200134.

Allele frequency attached by ClinVar (database versions not stated): ExAC 0.00002; TOPMed 0.00003; 1000 Genomes Project 30x 0.00016; 1000 Genomes Project 0.00020; gnomAD exomes 0.00002; gnomAD 0.00005.
gnomAD v4.1: 33 of 1,611,588 alleles (0.002%); highest among the groups gnomAD compares: East Asian, 0.031%; no homozygotes.

Submissions (2):

Labcorp Genetics (formerly Invitae), Labcorp
Classification: Uncertain significance for Epileptic encephalopathy. Last evaluated: 2025-05-12. Review status: criteria provided, single submitter. Criteria: Invitae Variant Classification Sherloc (09022015). Collection method: clinical testing. Allele origin: germline.
Comment: This sequence change replaces aspartic acid, which is acidic and polar, with asparagine, which is neutral and polar, at codon 1419 of the FASN protein (p.Asp1419Asn). This variant is present in population databases (rs202019027, gnomAD 0.05%). This variant has not been reported in the literature in individuals affected with FASN-related conditions. ClinVar contains an entry for this variant (Variation ID: 2225269). An algorithm developed to predict the effect of missense changes on protein structure and function (PolyPhen-2) suggests that this variant is likely to be tolerated. In summary, the available evidence is currently insufficient to determine the role of this variant in disease. Therefore, it has been classified as a Variant of Uncertain Significance.

Ambry Genetics
Classification: Uncertain significance. Last evaluated: 2025-04-25. Review status: criteria provided, single submitter. Criteria: Ambry Variant Classification Scheme 2023. Collection method: clinical testing. Allele origin: germline.

NM_004104.5(FASN):c.4255G>A (p.Asp1419Asn)

Gene: FASN (fatty acid synthase; minus strand). Cytogenetic location: 17q25.3.
Variant type: single nucleotide variant.
Coding change: c.4255G>A on transcript NM_004104.5 (MANE Select); coding-DNA position 4255, G replaced by A.
Protein change: p.Asp1419Asn; replaces aspartic acid 1419 with asparagine.
Molecular consequence: missense variant.
Genome position (GRCh38, 1-based): chr17:82,085,270, C>T on the plus strand (G>A on the coding strand, the complement: FASN is on the minus strand). VCF-style: chr17-82085270-C-T. GRCh37 (hg19) VCF-style: chr17-80043146-C-T.
Other names: short protein forms D1419N.
Identifiers: ClinVar variation 2225269 (VCV002225269.5), dbSNP rs202019027, ClinGen allele CA8852137.